The following is an entry in ClinVar:

ClinVar aggregate classification (germline): Likely benign (0 of 4 stars; one submission).

Conditions:
TRMT5-related disorder. Also called: TRMT5-related condition.

Allele frequency attached by ClinVar (database versions not stated): TOPMed 0.00001; gnomAD 0.00003; ExAC 0.00019; 1000 Genomes Project 30x 0.00047; 1000 Genomes Project 0.00060.
gnomAD v4.1: 87 of 1,598,068 alleles (0.0054%); highest among the groups gnomAD compares: South Asian, 0.091%; no homozygotes.

Submission:

PreventionGenetics, part of Exact Sciences
Classification: Likely benign for TRMT5-related condition. Last evaluated: 2019-11-16. Review status: no assertion criteria provided. Collection method: clinical testing. Allele origin: germline.
Comment: This variant is classified as likely benign based on ACMG/AMP sequence variant interpretation guidelines (Richards et al. 2015 PMID: 25741868, with internal and published modifications).

NM_020810.3(TRMT5):c.11+90G>A

Gene: TRMT5 (tRNA methyltransferase 5; minus strand). Cytogenetic location: 14q23.1.
Variant type: single nucleotide variant.
Coding change: c.11+90G>A on transcript NM_020810.3 (MANE Select); 90 bases into the intron after coding-DNA position 11, G replaced by A.
Molecular consequence: intron variant. On other transcripts: synonymous variant (1).
Genome position (GRCh38, 1-based): chr14:60,980,873, C>T on the plus strand (G>A on the coding strand, the complement: TRMT5 is on the minus strand). VCF-style: chr14-60980873-C-T. GRCh37 (hg19) VCF-style: chr14-61447591-C-T.
Other names: c.63G>A, p.Gln21= (NM_001350254.1); c.95+151G>A (NM_001350253.1).
Identifiers: ClinVar variation 3048691 (VCV003048691.2), dbSNP rs562034688, ClinGen allele CA7214033.